The following is an entry in ClinVar:

ClinVar aggregate classification (germline): Uncertain significance. Review status: criteria provided, multiple submitters, no conflicts (2 of 4 stars). 3 submissions from 3 submitters: Uncertain significance (3). Last evaluated 2024-04-25.

Conditions:
Familial isolated arrhythmogenic right ventricular dysplasia. Identifiers: Orphanet 217656, MedGen C4274968, MONDO:0016342.
Cardiomyopathy (CMYO). Also called: Cardiomyopathies. Identifiers: Orphanet 167848, MedGen C0878544, MONDO:0004994, HP:0001638. Inheritance: Various modes of inheritance.
Arrhythmogenic right ventricular dysplasia 11. Also called: Arrhythmogenic right ventricular dysplasia 11 with mild palmoplantar keratoderma and woolly hair; Arrhythmogenic Right Ventricular Dysplasia/Cardiomyopathy11; ARRHYTHMOGENIC RIGHT VENTRICULAR DYSPLASIA, FAMILIAL, 11. Identifiers: MedGen C1864850, MONDO:0012506, OMIM 610476.

Submissions (3):

All of Us Research Program, National Institutes of Health
Classification: Uncertain significance for Familial isolated arrhythmogenic right ventricular dysplasia. Last evaluated: 2024-04-25. Review status: criteria provided, single submitter. Criteria: ACMG Guidelines, 2015. Collection method: clinical testing. Allele origin: germline. Inheritance: Autosomal dominant inheritance. Observed: 1 variant allele, 1 heterozygote.
Comment: This missense variant replaces leucine with methionine at codon 352 of the DSC2 protein. Computational prediction suggests that this variant may not impact protein structure and function (internally defined REVEL score threshold <= 0.5, PMID: 27666373). To our knowledge, functional studies have not been reported for this variant. This variant has not been reported in individuals affected with DSC2-related disorders in the literature. This variant has not been identified in the general population by the Genome Aggregation Database (gnomAD). The available evidence is insufficient to determine the role of this variant in disease conclusively. Therefore, this variant is classified as a Variant of Uncertain Significance.

This study involves interpretation of variants in research participants for the purpose of population health screening. Participant phenotype was not available at the time of variant classification. Additional details can be found in publication PMID: 35346344, PMCID: PMC8962531

Color Diagnostics, LLC DBA Color Health
Classification: Uncertain significance for Cardiomyopathy. Last evaluated: 2024-02-28. Review status: criteria provided, single submitter. Criteria: ACMG Guidelines, 2015. Collection method: clinical testing. Allele origin: germline.
Comment: This missense variant replaces leucine with methionine at codon 352 of the DSC2 protein. Computational prediction suggests that this variant may not impact protein structure and function (internally defined REVEL score threshold <= 0.5, PMID: 27666373). To our knowledge, functional studies have not been reported for this variant. This variant has not been reported in individuals affected with DSC2-related disorders in the literature. This variant has not been identified in the general population by the Genome Aggregation Database (gnomAD). The available evidence is insufficient to determine the role of this variant in disease conclusively. Therefore, this variant is classified as a Variant of Uncertain Significance.

Labcorp Genetics (formerly Invitae), Labcorp
Classification: Uncertain significance for Arrhythmogenic right ventricular dysplasia 11. Last evaluated: 2023-12-19. Review status: criteria provided, single submitter. Criteria: Invitae Variant Classification Sherloc (09022015). Collection method: clinical testing. Allele origin: germline.
Comment: This sequence change replaces leucine, which is neutral and non-polar, with methionine, which is neutral and non-polar, at codon 352 of the DSC2 protein (p.Leu352Met). This variant is not present in population databases (gnomAD no frequency). This variant has not been reported in the literature in individuals affected with DSC2-related conditions. ClinVar contains an entry for this variant (Variation ID: 1386902). Advanced modeling of protein sequence and biophysical properties (such as structural, functional, and spatial information, amino acid conservation, physicochemical variation, residue mobility, and thermodynamic stability) performed at Invitae indicates that this missense variant is not expected to disrupt DSC2 protein function with a negative predictive value of 80%. In summary, the available evidence is currently insufficient to determine the role of this variant in disease. Therefore, it has been classified as a Variant of Uncertain Significance.

NM_024422.6(DSC2):c.1054T>A (p.Leu352Met)

Gene: DSC2 (desmocollin 2; minus strand). Cytogenetic location: 18q12.1.
Variant type: single nucleotide variant.
Coding change: c.1054T>A on transcript NM_024422.6 (MANE Select); coding-DNA position 1054, T replaced by A.
Protein change: p.Leu352Met; replaces leucine 352 with methionine.
Molecular consequence: missense variant.
Genome position (GRCh38, 1-based): chr18:31,082,949, A>T on the plus strand (T>A on the coding strand, the complement: DSC2 is on the minus strand). VCF-style: chr18-31082949-A-T. GRCh37 (hg19) VCF-style: chr18-28662915-A-T.
Other names: c.1054T>A, p.Leu352Met (NM_004949.5); short protein forms L352M.
Identifiers: ClinVar variation 1386902 (VCV001386902.9), dbSNP rs2144821150, ClinGen allele CA402110408.